The following is an entry in ClinVar:

ClinVar aggregate classification (germline): Uncertain significance (1 of 4 stars; one submission).

Allele frequency attached by ClinVar (database versions not stated): gnomAD exomes 0.00001; TOPMed 0.00001; gnomAD 0.00002; ExAC 0.00003; ESP Exome Variant Server 0.00008.
gnomAD v4.1: 19 of 1,613,608 alleles (0.0012%); highest among the groups gnomAD compares: East Asian, 0.0045%; no homozygotes.

Submission:

Labcorp Genetics (formerly Invitae), Labcorp
Classification: Uncertain significance. Last evaluated: 2022-10-22. Review status: criteria provided, single submitter. Criteria: Invitae Variant Classification Sherloc (09022015). Collection method: clinical testing. Allele origin: germline.
Comment: This sequence change replaces arginine, which is basic and polar, with cysteine, which is neutral and slightly polar, at codon 512 of the AHDC1 protein (p.Arg512Cys). This variant is present in population databases (rs374849902, gnomAD 0.007%). This variant has not been reported in the literature in individuals affected with AHDC1-related conditions. Algorithms developed to predict the effect of missense changes on protein structure and function are either unavailable or do not agree on the potential impact of this missense change (SIFT: "Deleterious"; PolyPhen-2: "Possibly Damaging"; Align-GVGD: "Class C0"). In summary, the available evidence is currently insufficient to determine the role of this variant in disease. Therefore, it has been classified as a Variant of Uncertain Significance.

NM_001371928.1(AHDC1):c.1534C>T (p.Arg512Cys)

Gene: AHDC1 (AT-hook DNA binding motif containing 1; minus strand). Cytogenetic location: 1p36.11.
Variant type: single nucleotide variant.
Coding change: c.1534C>T on transcript NM_001371928.1 (MANE Select); coding-DNA position 1534, C replaced by T.
Protein change: p.Arg512Cys; replaces arginine 512 with cysteine.
Molecular consequence: missense variant.
Genome position (GRCh38, 1-based): chr1:27,550,582, G>A on the plus strand (C>T on the coding strand, the complement: AHDC1 is on the minus strand). VCF-style: chr1-27550582-G-A. GRCh37 (hg19) VCF-style: chr1-27877093-G-A.
Other names: c.1534C>T, p.Arg512Cys (NM_001029882.3); short protein forms R512C.
Identifiers: ClinVar variation 1960056 (VCV001960056.2), dbSNP rs374849902, ClinGen allele CA715929.